The following is an entry in ClinVar:

NM_002519.3(NPAT):c.173A>G (p.Asn58Ser)

Gene: NPAT (nuclear protein, coactivator of histone transcription; minus strand). Cytogenetic location: 11q22.3.
Variant type: single nucleotide variant.
Coding change: c.173A>G on transcript NM_002519.3 (MANE Select); coding-DNA position 173, A replaced by G.
Protein change: p.Asn58Ser; replaces asparagine 58 with serine.
Molecular consequence: missense variant.
Genome position (GRCh38, 1-based): chr11:108,194,001, T>C on the plus strand (A>G on the coding strand, the complement: NPAT is on the minus strand). VCF-style: chr11-108194001-T-C. GRCh37 (hg19) VCF-style: chr11-108064728-T-C.
Other names: c.173A>G, p.Asn58Ser (NM_001321307.1); short protein forms N58S.
Identifiers: ClinVar variation 2624972 (VCV002624972.2), dbSNP rs1184951337, ClinGen allele CA382526863.
Genomic context (GRCh38, chr11:108,194,001, plus strand): 5'-AAATCAGAACTCTTACCTTTTGTTTTCATAGCTACATACTCATTTAAAATTGTTGTCAAG[T>C]TTTTTCCAAATAAGGACTGAAAAGAAAAAGATCAAATATTACCAAAATTGTATAATACTA-3'
Protein context (NP_002510.2, residues 48-68): PACLLSLFGK[Asn58Ser]LTTILNEYVA

ClinVar aggregate classification (germline): Uncertain significance (1 of 4 stars; one submission).

Submission:

Ambry Genetics
Classification: Uncertain significance. Last evaluated: 2023-07-18. Review status: criteria provided, single submitter. Criteria: Ambry Variant Classification Scheme 2023. Collection method: clinical testing. Allele origin: germline.
Comment: The p.N58S variant (also known as c.173A>G), located in coding exon 3 of the NPAT gene, results from an A to G substitution at nucleotide position 173. The asparagine at codon 58 is replaced by serine, an amino acid with highly similar properties. This amino acid position is conserved. In addition, this alteration is predicted to be tolerated by in silico analysis. Since supporting evidence is limited at this time, the clinical significance of this alteration remains unclear.